The following is an entry in ClinVar:

NM_014336.5(AIPL1):c.383C>T (p.Ala128Val)

Gene: AIPL1 (AIP like 1 HSP90 co-chaperone; minus strand). Cytogenetic location: 17p13.2.
Variant type: single nucleotide variant.
Coding change: c.383C>T on transcript NM_014336.5 (MANE Select); coding-DNA position 383, C replaced by T.
Protein change: p.Ala128Val; replaces alanine 128 with valine.
Molecular consequence: missense variant. On other transcripts: intron variant (1).
Genome position (GRCh38, 1-based): chr17:6,428,400, G>A on the plus strand (C>T on the coding strand, the complement: AIPL1 is on the minus strand). VCF-style: chr17-6428400-G-A. GRCh37 (hg19) VCF-style: chr17-6331720-G-A.
Other names: NM_014336.5(AIPL1):c.383C>T; p.Ala128Val; c.203C>T, p.Ala68Val (NM_001033055.3); c.347C>T, p.Ala116Val (NM_001285399.3); c.317C>T, p.Ala106Val (NM_001285400.3); c.383C>T, p.Ala128Val (NM_001285401.3, NM_001285403.4); c.266C>T, p.Ala89Val (NM_001285402.2); c.277-1343C>T (NM_001033054.3); short protein forms A106V, A116V, A128V, A68V, A89V.
Identifiers: ClinVar variation 800208 (VCV000800208.15), dbSNP rs145466901, ClinGen allele CA8328525.

ClinVar aggregate classification (germline): Uncertain significance. Review status: reviewed by expert panel (3 of 4 stars). 6 submissions from 6 submitters: Uncertain significance (1). 5 of the submissions do not count toward it. Last evaluated 2025-09-29.

Conditions:
AIPL1-related retinopathy. Also called: AIPL1 retinopathy. Identifiers: MedGen CN305590, MONDO:0100438.
AIPL1-related disorder. Also called: AIPL1-related condition; AIPL1-related disorders. Identifiers: MedGen CN239169.
Leber congenital amaurosis 4 (LCA4). Identifiers: MedGen C1858386, MONDO:0011458, OMIM 604393.

Allele frequency attached by ClinVar (database versions not stated): ESP Exome Variant Server 0.00008; TOPMed 0.00008; 1000 Genomes Project 30x 0.00016; 1000 Genomes Project 0.00020; gnomAD exomes 0.00021 and 0.00030; gnomAD 0.00022 and 0.00023; ExAC 0.00026.
gnomAD v4.1: 340 of 1,613,238 alleles (0.021%); highest among the groups gnomAD compares: Non-Finnish European, 0.017%; no homozygotes.

Submissions (6):

ClinGen Leber Congenital Amaurosis/early Onset Retinal Dystrophy Variant Curation Expert Panel, ClinGen
Classification: Uncertain significance for AIPL1-related retinopathy. Last evaluated: 2025-09-29. Review status: reviewed by expert panel. Criteria: ClinGen LCAeoRD ACMG Specifications AIPL1 V1.0.0. Collection method: curation. Allele origin: germline. Inheritance: Autosomal recessive inheritance.
Comment: NM_014336.5(AIPL1):c.383C>T (p.Ala128Val) is a missense variant in exon 3 of 6 that is predicted to change alanine to valine at amino acid p.128. This variant is present in gnomAD v.4.1.0 at a total allele frequency of 0.0002108, with 340 alleles / 1,613,238 total alleles, which is lower than the ClinGen LCA/eoRD VCEP PM2_Supporting threshold of <0.0004. Additionally, there are no homozygotes recorded in gnomAD (PM2_Supporting). The computational predictor REVEL gives a score of 0.689, which is slightly above the ClinGen LCA/eoRD VCEP threshold of ≥0.644 and predicts a damaging effect on AIPL1 protein function. Additionally, the splicing impact predictor SpliceAI gives a score of 0, which is below the ClinGen LCA/eoRD VCEP recommended threshold of ≥0.2 and does not strongly predict an impact on splicing (PP3). No published probands harboring the variant have been identified. In summary, this variant meets the criteria to be classified as a Variant of Uncertain Significance for AIPL1-related retinopathy based on the ACMG/AMP criteria applied, as specified by the ClinGen LCA/eoRD VCEP: PM2_Supporting and PP3. (VCEP specifications version 1.0.0; date of approval 09/24/2025).

Labcorp Genetics (formerly Invitae), Labcorp
Classification: Likely benign for Leber congenital amaurosis 4. Last evaluated: 2025-12-24. Review status: criteria provided, single submitter. Criteria: Invitae Variant Classification Sherloc (09022015). Collection method: clinical testing. Allele origin: germline. Not counted in ClinVar's aggregate classification.

Blueprint Genetics
Classification: Benign. Last evaluated: 2023-12-14. Review status: criteria provided, single submitter. Criteria: ACMG Guidelines, 2015. Collection method: clinical testing. Allele origin: germline. Not counted in ClinVar's aggregate classification.

PreventionGenetics, part of Exact Sciences
Classification: Likely benign for AIPL1-related condition. Last evaluated: 2023-02-06. Review status: no assertion criteria provided. Collection method: clinical testing. Allele origin: germline. Not counted in ClinVar's aggregate classification.
Comment: This variant is classified as likely benign based on ACMG/AMP sequence variant interpretation guidelines (Richards et al. 2015 PMID: 25741868, with internal and published modifications).

Clinical Genetics DNA and cytogenetics Diagnostics Lab, Erasmus MC, Erasmus Medical Center
Classification: Uncertain significance. Review status: no assertion criteria provided. Collection method: clinical testing. Allele origin: germline. Affected: yes. Study: VKGL Data-share Consensus. Not counted in ClinVar's aggregate classification.

Clinical Genetics, Academic Medical Center
Classification: Uncertain significance. Review status: no assertion criteria provided. Collection method: clinical testing. Allele origin: germline. Affected: yes. Study: VKGL Data-share Consensus. Not counted in ClinVar's aggregate classification.